The following is an entry in ClinVar:

ClinVar aggregate classification (germline): Conflicting classifications of pathogenicity. Review status: criteria provided, conflicting classifications (1 of 4 stars). 7 submissions from 7 submitters: Uncertain significance (4); Likely benign (3). Last evaluated 2026-03-19.

Conditions:
Hereditary cancer-predisposing syndrome. Also called: Neoplastic Syndromes, Hereditary; Hereditary Cancer Syndrome; Tumor predisposition; Hereditary neoplastic syndrome. Identifiers: Orphanet 140162, MedGen C0027672, MeSH D009386, MONDO:0015356.
Lynch syndrome 4 (LYNCH4). Also called: Hereditary non-polyposis colorectal cancer, type 4; Colorectal cancer, hereditary nonpolyposis, type 4. Identifiers: Orphanet 144, MedGen C1838333, MONDO:0013699, OMIM 614337. Disease mechanism: loss of function.
Mismatch repair cancer syndrome 1 (MMRCS1). Also called: BRAIN TUMOR-POLYPOSIS SYNDROME 1; BTP1 SYNDROME; CHILDHOOD CANCER SYNDROME; MISMATCH REPAIR DEFICIENCY; MMR DEFICIENCY. Identifiers: Orphanet 252202, MedGen C5399763, MONDO:0010159, OMIM 276300. Disease mechanism: loss of function.
Hereditary nonpolyposis colorectal neoplasms. Identifiers: MedGen C0009405, MeSH D003123.
Lynch syndrome. Identifiers: Orphanet 144, MedGen C4552100, MONDO:0005835. Disease mechanism: loss of function.

Allele frequency attached by ClinVar (database versions not stated): TOPMed 0.00001.
gnomAD v4.1: 7 of 1,613,884 alleles (0.00043%); highest among the groups gnomAD compares: East Asian, 0.0022%; no homozygotes.

Submissions (7):

Ambry Genetics
Classification: Likely benign for Hereditary cancer-predisposing syndrome. Last evaluated: 2026-03-19. Review status: criteria provided, single submitter. Criteria: Ambry Variant Classification Scheme 2023. Collection method: clinical testing. Allele origin: germline.

Labcorp Genetics (formerly Invitae), Labcorp
Classification: Likely benign for Hereditary nonpolyposis colorectal neoplasms. Last evaluated: 2025-07-16. Review status: criteria provided, single submitter. Criteria: Invitae Variant Classification Sherloc (09022015). Collection method: clinical testing. Allele origin: germline.

Color Diagnostics, LLC DBA Color Health
Classification: Likely benign for Hereditary cancer-predisposing syndrome. Last evaluated: 2025-02-18. Review status: criteria provided, single submitter. Criteria: ACMG Guidelines, 2015. Collection method: clinical testing. Allele origin: germline.

All of Us Research Program, National Institutes of Health
Classification: Uncertain significance for Lynch syndrome. Last evaluated: 2023-08-23. Review status: criteria provided, single submitter. Criteria: ACMG Guidelines, 2015. Collection method: clinical testing. Allele origin: germline. Inheritance: Autosomal dominant inheritance. Observed: 2 variant alleles, 2 heterozygotes.
Comment: This missense variant replaces aspartic acid with asparagine at codon 526 of the PMS2 protein. Computational prediction suggests that this variant may not impact protein structure and function (internally defined REVEL score threshold <= 0.5, PMID: 27666373). To our knowledge, functional studies have not been reported for this variant. This variant has not been reported in individuals affected with PMS2-related disorders in the literature. This variant has not been identified in the general population by the Genome Aggregation Database (gnomAD). The available evidence is insufficient to determine the role of this variant in disease conclusively. Therefore, this variant is classified as a Variant of Uncertain Significance.

This study involves interpretation of variants in research participants for the purpose of population health screening. Participant phenotype was not available at the time of variant classification. Additional details can be found in publication PMID: 35346344, PMCID: PMC8962531

GeneDx
Classification: Uncertain significance. Last evaluated: 2023-07-31. Review status: criteria provided, single submitter. Criteria: GeneDx Variant Classification Process June 2021. Collection method: clinical testing. Allele origin: germline. Affected: yes.
Comment: Not observed at significant frequency in large population cohorts (gnomAD); In silico analysis supports that this missense variant does not alter protein structure/function; Has not been previously published as pathogenic or benign to our knowledge; This variant is associated with the following publications: (PMID: 17016615)

Women's Health and Genetics/Laboratory Corporation of America, LabCorp
Classification: Uncertain significance. Last evaluated: 2022-06-06. Review status: criteria provided, single submitter. Criteria: LabCorp Variant Classification Summary - May 2015. Collection method: clinical testing. Allele origin: germline.
Comment: Variant summary: PMS2 c.1576G>A (p.Asp526Asn) results in a conservative amino acid change in the encoded protein sequence. Three of five in-silico tools predict a damaging effect of the variant on protein function. The variant was absent in 251074 control chromosomes. The available data on variant occurrences in the general population are insufficient to allow any conclusion about variant significance. To our knowledge, no occurrence of c.1576G>A in individuals affected with Lynch Syndrome or PMS2-associated cancers and no experimental evidence demonstrating its impact on protein function have been reported. Five clinical diagnostic laboratories have submitted clinical-significance assessments for this variant to ClinVar after 2014 and all laboratories classified the variant as uncertain significance. Based on the evidence outlined above, the variant was classified as uncertain significance.

Fulgent Genetics
Classification: Uncertain significance for Mismatch repair cancer syndrome 1; Lynch syndrome 4. Last evaluated: 2018-10-31. Review status: criteria provided, single submitter. Criteria: ACMG Guidelines, 2015. Collection method: clinical testing. Allele origin: unknown.

NM_000535.7(PMS2):c.1576G>A (p.Asp526Asn)

Gene: PMS2 (PMS1 homolog 2, mismatch repair system component; minus strand). Cytogenetic location: 7p22.1.
Variant type: single nucleotide variant.
Coding change: c.1576G>A on transcript NM_000535.7 (MANE Select); coding-DNA position 1576, G replaced by A.
Protein change: p.Asp526Asn; replaces aspartic acid 526 with asparagine.
Molecular consequence: missense variant. On other transcripts: non-coding transcript variant (1).
Genome position (GRCh38, 1-based): chr7:5,987,189, C>T on the plus strand (G>A on the coding strand, the complement: PMS2 is on the minus strand). VCF-style: chr7-5987189-C-T. GRCh37 (hg19) VCF-style: chr7-6026820-C-T.
Other names: c.1171G>A, p.Asp391Asn (NM_001322003.2, NM_001322004.2, NM_001322005.2 and 1 more transcripts); c.1420G>A, p.Asp474Asn (NM_001322006.2); c.1258G>A, p.Asp420Asn (NM_001322007.2, NM_001322008.2); c.1015G>A, p.Asp339Asn (NM_001322010.2); c.643G>A, p.Asp215Asn (NM_001322011.2, NM_001322012.2); c.1003G>A, p.Asp335Asn (NM_001322013.2); c.1576G>A, p.Asp526Asn (NM_001322014.2); c.1267G>A, p.Asp423Asn (NM_001322015.2); short protein forms D526N, D215N, D423N, D335N, D391N, D339N, D420N, D474N.
Identifiers: ClinVar variation 233100 (VCV000233100.28), dbSNP rs63750686, ClinGen allele CA10578673.